The following is an entry in ClinVar:

ClinVar aggregate classification (germline): Uncertain significance (1 of 4 stars; one submission).

Conditions:
Familial episodic pain syndrome with predominantly lower limb involvement. Also called: Episodic pain syndrome, familial, 3. Identifiers: Orphanet 391384, Orphanet 391392, MedGen C3809899, MONDO:0014247, OMIM 615552.
Hereditary sensory and autonomic neuropathy type 7. Also called: Neuropathy, hereditary sensory and autonomic, type VII; HSAN VII. Identifiers: Orphanet 391397, MedGen C3809882, MONDO:0014244, OMIM 615548.

Allele frequency attached by ClinVar (database versions not stated): gnomAD exomes below 0.00001.
gnomAD v4.1: 1 of 1,603,686 alleles (0.000062%); highest among the groups gnomAD compares: South Asian, 0.0011%; no homozygotes.

Submission:

Labcorp Genetics (formerly Invitae), Labcorp
Classification: Uncertain significance for Familial episodic pain syndrome with predominantly lower limb involvement; Hereditary sensory and autonomic neuropathy type 7. Last evaluated: 2023-10-06. Review status: criteria provided, single submitter. Criteria: Invitae Variant Classification Sherloc (09022015). Collection method: clinical testing. Allele origin: germline.
Comment: This sequence change replaces threonine, which is neutral and polar, with alanine, which is neutral and non-polar, at codon 148 of the SCN11A protein (p.Thr148Ala). This variant is not present in population databases (gnomAD no frequency). This variant has not been reported in the literature in individuals affected with SCN11A-related conditions. Algorithms developed to predict the effect of missense changes on protein structure and function output the following: SIFT: "Not Available"; PolyPhen-2: "Benign"; Align-GVGD: "Not Available". The alanine amino acid residue is found in multiple mammalian species, which suggests that this missense change does not adversely affect protein function. In summary, the available evidence is currently insufficient to determine the role of this variant in disease. Therefore, it has been classified as a Variant of Uncertain Significance.

NM_001349253.2(SCN11A):c.442A>G (p.Thr148Ala)

Gene: SCN11A (sodium voltage-gated channel alpha subunit 11; minus strand). Cytogenetic location: 3p22.2.
Variant type: single nucleotide variant.
Coding change: c.442A>G on transcript NM_001349253.2 (MANE Select); coding-DNA position 442, A replaced by G.
Protein change: p.Thr148Ala; replaces threonine 148 with alanine.
Molecular consequence: missense variant.
Genome position (GRCh38, 1-based): chr3:38,945,457, T>C on the plus strand (A>G on the coding strand, the complement: SCN11A is on the minus strand). VCF-style: chr3-38945457-T-C. GRCh37 (hg19) VCF-style: chr3-38986948-T-C.
Other names: c.442A>G, p.Thr148Ala (NM_014139.3); short protein forms T148A.
Identifiers: ClinVar variation 2925103 (VCV002925103.3), dbSNP rs2470694958, ClinGen allele CA352175336.